The following is an entry in ClinVar:

ClinVar aggregate classification (germline): Uncertain significance (1 of 4 stars; one submission).

Submission:

GeneDx
Classification: Uncertain significance. Last evaluated: 2025-01-29. Review status: criteria provided, single submitter. Criteria: GeneDx Variant Classification Process June 2021. Collection method: clinical testing. Allele origin: germline. Affected: yes.
Comment: Not observed at significant frequency in large population cohorts (gnomAD); In silico analysis supports that this missense variant has a deleterious effect on protein structure/function; Has not been previously published as pathogenic or benign to our knowledge

NM_006946.4(SPTBN2):c.3671A>C (p.Asn1224Thr)

Gene: SPTBN2 (spectrin beta, non-erythrocytic 2; minus strand). Cytogenetic location: 11q13.2.
Variant type: single nucleotide variant.
Coding change: c.3671A>C on transcript NM_006946.4 (MANE Select); coding-DNA position 3671, A replaced by C.
Protein change: p.Asn1224Thr; replaces asparagine 1224 with threonine.
Molecular consequence: missense variant.
Genome position (GRCh38, 1-based): chr11:66,699,511, T>G on the plus strand (A>C on the coding strand, the complement: SPTBN2 is on the minus strand). VCF-style: chr11-66699511-T-G. GRCh37 (hg19) VCF-style: chr11-66466982-T-G.
Other names: c.3692A>C, p.Asn1231Thr (NM_001411025.1); short protein forms N1224T, N1231T.
Identifiers: ClinVar variation 4072579 (VCV004072579.1).